The following is an entry in ClinVar:

NM_144596.4(TTC8):c.596T>A (p.Ile199Asn)

Gene: TTC8 (tetratricopeptide repeat domain 8; plus strand). Cytogenetic location: 14q31.3.
Variant type: single nucleotide variant.
Coding change: c.596T>A on transcript NM_144596.4 (MANE Select); coding-DNA position 596, T replaced by A.
Protein change: p.Ile199Asn; replaces isoleucine 199 with asparagine.
Molecular consequence: missense variant. On other transcripts: 5 prime UTR variant (1), non-coding transcript variant (1), intron variant (1).
Genome position (GRCh38, 1-based): chr14:88,843,822, T>A. VCF-style: chr14-88843822-T-A. GRCh37 (hg19) VCF-style: chr14-89310166-T-A.
Other names: c.566T>A, p.Ile189Asn (NM_001288781.1, NM_001366535.2, NM_198309.3); c.-182T>A (NM_001288783.1); c.476T>A, p.Ile159Asn (NM_001366536.2, NM_198310.3); c.30+2265T>A (NM_001288782.1); short protein forms I159N, I189N, I199N.
Identifiers: ClinVar variation 1051744 (VCV001051744.10), dbSNP rs753995884, ClinGen allele CA7302533.

ClinVar aggregate classification (germline): Uncertain significance. Review status: criteria provided, multiple submitters, no conflicts (2 of 4 stars). 3 submissions from 3 submitters: Uncertain significance (3). Last evaluated 2023-12-08.

Conditions:
Bardet-Biedl syndrome (BBS). Identifiers: Orphanet 110, MedGen C0752166, MONDO:0015229.
Retinitis pigmentosa 51 (RP51). Identifiers: Orphanet 791, MedGen C3150715, MONDO:0013274, OMIM 613464.
Bardet-Biedl syndrome 8 (BBS8). Identifiers: Orphanet 110, MedGen C1859566, MONDO:0014436, OMIM 615985.

Allele frequency attached by ClinVar (database versions not stated): TOPMed below 0.00001; gnomAD 0.00001; gnomAD exomes 0.00001; ExAC 0.00003.
gnomAD v4.1: 8 of 1,597,528 alleles (0.0005%); highest among the groups gnomAD compares: Non-Finnish European, 0.00068%; no homozygotes.

Submissions (3):

Blueprint Genetics
Classification: Uncertain significance. Last evaluated: 2023-12-08. Review status: criteria provided, single submitter. Criteria: ACMG Guidelines, 2015. Collection method: clinical testing. Allele origin: germline.

Department of Pathology and Laboratory Medicine, Sinai Health System
Classification: Uncertain significance for Retinitis pigmentosa 51; Bardet-Biedl syndrome 8. Last evaluated: 2022-04-25. Review status: criteria provided, single submitter. Criteria: ACMG Guidelines, 2015. Collection method: research. Allele origin: germline.

Labcorp Genetics (formerly Invitae), Labcorp
Classification: Uncertain significance for Bardet-Biedl syndrome. Last evaluated: 2020-08-14. Review status: criteria provided, single submitter. Criteria: Invitae Variant Classification Sherloc (09022015). Collection method: clinical testing. Allele origin: germline.
Comment: This variant has not been reported in the literature in individuals with TTC8-related conditions. This sequence change replaces isoleucine with asparagine at codon 189 of the TTC8 protein (p.Ile189Asn). The isoleucine residue is moderately conserved and there is a large physicochemical difference between isoleucine and asparagine. This variant is present in population databases (rs753995884, ExAC 0.006%). Algorithms developed to predict the effect of missense changes on protein structure and function are either unavailable or do not agree on the potential impact of this missense change (SIFT: "Deleterious"; PolyPhen-2: "Probably Damaging"; Align-GVGD: "Class C0"). In summary, the available evidence is currently insufficient to determine the role of this variant in disease. Therefore, it has been classified as a Variant of Uncertain Significance.